The following is an entry in ClinVar:

ClinVar aggregate classification (germline): Uncertain significance (1 of 4 stars; one submission).

Submission:

Dasa
Classification: Uncertain significance. Last evaluated: 2026-04-06. Review status: criteria provided, single submitter. Criteria: DASA Assertion Criteria. Collection method: clinical testing. Allele origin: germline.
Comment: NM_002470.4(MYH3):c.5282C>G (p.Thr1761Arg) is a missense variant that results in the substitution of threonine with arginine. This variant is rare in population databases. Computational prediction algorithms are consistent with a deleterious effect. The currently available literature and clinical evidence are not sufficient to establish a definitive association between this variant and the reported condition. Therefore, this variant is classified as a variant of uncertain significance.

NM_002470.4(MYH3):c.5282C>G (p.Thr1761Arg)

Gene: MYH3 (myosin heavy chain 3; minus strand). Cytogenetic location: 17p13.1.
Variant type: single nucleotide variant.
Coding change: c.5282C>G on transcript NM_002470.4 (MANE Select); coding-DNA position 5282, C replaced by G.
Protein change: p.Thr1761Arg; replaces threonine 1761 with arginine.
Molecular consequence: missense variant.
Genome position (GRCh38, 1-based): chr17:10,631,615, G>C on the plus strand (C>G on the coding strand, the complement: MYH3 is on the minus strand). VCF-style: chr17-10631615-G-C. GRCh37 (hg19) VCF-style: chr17-10534932-G-C.
Other names: short protein forms T1761R.
Identifiers: ClinVar variation 4883299 (VCV004883299.2).